The following is an entry in ClinVar:

ClinVar aggregate classification (germline): Likely benign. Review status: criteria provided, single submitter (1 of 4 stars). 2 submissions from 2 submitters: Likely benign (1). 1 of the submissions does not count toward it. Last evaluated 2025-03-01.

Conditions:
TUBA1A-related disorder. Also called: TUBA1A-related condition.

Submissions (2):

CeGaT Center for Human Genetics Tuebingen
Classification: Likely benign. Last evaluated: 2025-03-01. Review status: criteria provided, single submitter. Criteria: CeGaT Center For Human Genetics Tuebingen Variant Classification Criteria Version 2. Collection method: clinical testing. Allele origin: germline. Affected: yes. Observed: 2 variant alleles.
Comment: TUBA1A: BP4, BP7

PreventionGenetics, part of Exact Sciences
Classification: Likely benign for TUBA1A-related condition. Last evaluated: 2020-11-10. Review status: no assertion criteria provided. Collection method: clinical testing. Allele origin: germline. Not counted in ClinVar's aggregate classification.
Comment: This variant is classified as likely benign based on ACMG/AMP sequence variant interpretation guidelines (Richards et al. 2015 PMID: 25741868, with internal and published modifications).

NM_006009.4(TUBA1A):c.165G>A (p.Glu55=)

Gene: TUBA1A (tubulin alpha 1a; minus strand). Cytogenetic location: 12q13.12.
Variant type: single nucleotide variant.
Coding change: c.165G>A on transcript NM_006009.4 (MANE Select); coding-DNA position 165, G replaced by A.
Protein change: p.Glu55=; no amino-acid change (glutamic acid 55 retained).
Molecular consequence: synonymous variant.
Genome position (GRCh38, 1-based): chr12:49,186,672, C>T on the plus strand (G>A on the coding strand, the complement: TUBA1A is on the minus strand). VCF-style: chr12-49186672-C-T. GRCh37 (hg19) VCF-style: chr12-49580455-C-T.
Other names: c.165G>A, p.Glu55= (NM_001270399.2); c.60G>A, p.Glu20= (NM_001270400.2).
Identifiers: ClinVar variation 3055443 (VCV003055443.16), dbSNP rs1055904, ClinGen allele CA236623222.